The following is an entry in ClinVar:

NM_004522.3(KIF5C):c.1074T>C (p.Asn358=)

Gene: KIF5C (kinesin family member 5C; plus strand). Cytogenetic location: 2q23.1.
Variant type: single nucleotide variant.
Coding change: c.1074T>C on transcript NM_004522.3 (MANE Select); coding-DNA position 1074, T replaced by C.
Protein change: p.Asn358=; no amino-acid change (asparagine 358 retained).
Molecular consequence: synonymous variant. On other transcripts: non-coding transcript variant (1).
Genome position (GRCh38, 1-based): chr2:148,962,076, T>C. VCF-style: chr2-148962076-T-C. GRCh37 (hg19) VCF-style: chr2-149818590-T-C.
Identifiers: ClinVar variation 3058340 (VCV003058340.2), dbSNP rs762274926, ClinGen allele CA1901360.

ClinVar aggregate classification (germline): Likely benign (0 of 4 stars; one submission).

Conditions:
KIF5C-related disorder. Also called: KIF5C-related condition.

Allele frequency attached by ClinVar (database versions not stated): gnomAD 0.00001; gnomAD exomes 0.00005; TOPMed 0.00005; ExAC 0.00006.
gnomAD v4.1: 84 of 1,612,924 alleles (0.0052%); highest among the groups gnomAD compares: Non-Finnish European, 0.0063%; no homozygotes.

Submission:

PreventionGenetics, part of Exact Sciences
Classification: Likely benign for KIF5C-related condition. Last evaluated: 2020-06-09. Review status: no assertion criteria provided. Collection method: clinical testing. Allele origin: germline.
Comment: This variant is classified as likely benign based on ACMG/AMP sequence variant interpretation guidelines (Richards et al. 2015 PMID: 25741868, with internal and published modifications).